The following is an entry in ClinVar:

NM_004260.4(RECQL4):c.581G>T (p.Cys194Phe)

Gene: RECQL4 (RecQ like helicase 4; minus strand). Cytogenetic location: 8q24.3.
Variant type: single nucleotide variant.
Coding change: c.581G>T on transcript NM_004260.4 (MANE Select); coding-DNA position 581, G replaced by T.
Protein change: p.Cys194Phe; replaces cysteine 194 with phenylalanine.
Molecular consequence: missense variant. On other transcripts: intron variant (3), 5 prime UTR variant (15), non-coding transcript variant (3).
Genome position (GRCh38, 1-based): chr8:144,516,538, C>A on the plus strand (G>T on the coding strand, the complement: RECQL4 is on the minus strand). VCF-style: chr8-144516538-C-A. GRCh37 (hg19) VCF-style: chr8-145741922-C-A.
Other names: c.-366-125G>T (NM_001413028.1, NM_001413021.1); c.581G>T, p.Cys194Phe (NM_001413017.1, NM_001413018.1, NM_001413019.1 and 4 more transcripts); c.-491G>T (NM_001413022.1, NM_001413023.1, NM_001413024.1 and 5 more transcripts); c.452G>T, p.Cys151Phe (NM_001413025.1); c.-553G>T (NM_001413027.1, NM_001413030.1, NM_001413031.1 and 2 more transcripts); c.-395G>T (NM_001413034.1); c.-760G>T (NM_001413043.1); c.355-125G>T (NM_001413029.1); short protein forms C151F, C194F.
Identifiers: ClinVar variation 4744198 (VCV004744198.1).
Genomic context (GRCh38, chr8:144,516,538, plus strand): 5'-GAGCCTAGATCAGGCCTGCAGGCTTTGGGGGCCCCCAGAAAATCTGGGACCTCACTGTGA[C>A]ATCGCTGTAACCAGCCAGGATCTAGGGAGCCCAGCCGCTGGCTCAGGGATGCCTGCAGAT-3'
Protein context (NP_004251.4, residues 184-204): GSLDPGWLQR[Cys194Phe]HSEVPDFLGA

ClinVar aggregate classification (germline): Uncertain significance (1 of 4 stars; one submission).

Conditions:
Baller-Gerold syndrome (BGS). Also called: CRANIOSYNOSTOSIS WITH RADIAL DEFECTS. Identifiers: Orphanet 1225, MedGen C0265308, MONDO:0009039, OMIM 218600.

Submission:

Labcorp Genetics (formerly Invitae), Labcorp
Classification: Uncertain significance for Baller-Gerold syndrome. Last evaluated: 2025-06-22. Review status: criteria provided, single submitter. Criteria: Invitae Variant Classification Sherloc (09022015). Collection method: clinical testing. Allele origin: germline.
Comment: This sequence change replaces cysteine, which is neutral and slightly polar, with phenylalanine, which is neutral and non-polar, at codon 194 of the RECQL4 protein (p.Cys194Phe). This variant is not present in population databases (gnomAD no frequency). This variant has not been reported in the literature in individuals affected with RECQL4-related conditions. Invitae Evidence Modeling of protein sequence and biophysical properties (such as structural, functional, and spatial information, amino acid conservation, physicochemical variation, residue mobility, and thermodynamic stability) indicates that this missense variant is expected to disrupt RECQL4 protein function with a positive predictive value of 80%. In summary, the available evidence is currently insufficient to determine the role of this variant in disease. Therefore, it has been classified as a Variant of Uncertain Significance.